The following is an entry in ClinVar:

ClinVar aggregate classification (germline): Benign. Review status: criteria provided, multiple submitters, no conflicts (2 of 4 stars). 3 submissions from 3 submitters: Benign (3). Last evaluated 2026-02-02.

Allele frequency attached by ClinVar (database versions not stated): gnomAD exomes 0.00256 and 0.00635; ExAC 0.01331; gnomAD 0.02422 and 0.02573; ESP Exome Variant Server 0.02443; TOPMed 0.02673; 1000 Genomes Project 0.03035; 1000 Genomes Project 30x 0.03435.
gnomAD v4.1: 7,444 of 1,550,958 alleles (0.48%); highest among the groups gnomAD compares: African/African-American, 8.2%; 254 homozygotes.

Submissions (3):

Labcorp Genetics (formerly Invitae), Labcorp
Classification: Benign. Last evaluated: 2026-02-02. Review status: criteria provided, single submitter. Criteria: Invitae Variant Classification Sherloc (09022015). Collection method: clinical testing. Allele origin: germline.

GeneDx
Classification: Benign. Last evaluated: 2017-02-15. Review status: criteria provided, single submitter. Criteria: GeneDx Variant Classification (06012015). Collection method: clinical testing. Allele origin: germline. Affected: yes.
Comment: This variant is considered likely benign or benign based on one or more of the following criteria: it is a conservative change, it occurs at a poorly conserved position in the protein, it is predicted to be benign by multiple in silico algorithms, and/or has population frequency not consistent with disease.

Breakthrough Genomics
Classification: Benign. Review status: criteria provided, single submitter. Criteria: ACMG Guidelines, 2015. Collection method: not provided. Allele origin: germline. Inheritance: Autosomal recessive inheritance. Affected: yes.

NM_018993.4(RIN2):c.-11C>T

Gene: RIN2 (Ras and Rab interactor 2; plus strand). Cytogenetic location: 20p11.23.
Variant type: single nucleotide variant.
Coding change: c.-11C>T on transcript NM_018993.4 (MANE Select); 11 bases upstream of the start codon, C replaced by T.
Molecular consequence: 5 prime UTR variant. On other transcripts: missense variant (1).
Genome position (GRCh38, 1-based): chr20:19,889,591, C>T. VCF-style: chr20-19889591-C-T. GRCh37 (hg19) VCF-style: chr20-19870235-C-T.
Other names: c.137C>T, p.Ser46Leu (NM_001242581.2); c.-556C>T (NM_001378238.1); short protein forms S46L.
Identifiers: ClinVar variation 506374 (VCV000506374.10), dbSNP rs56311184, ClinGen allele CA9779675.